The following is an entry in ClinVar:

ClinVar aggregate classification (germline): Uncertain significance (1 of 4 stars; one submission).

gnomAD v4.1: 3 of 1,595,880 alleles (0.00019%); highest among the groups gnomAD compares: Non-Finnish European, 0.00026%; no homozygotes.

Submission:

Ambry Genetics
Classification: Uncertain significance. Last evaluated: 2024-10-19. Review status: criteria provided, single submitter. Criteria: Ambry Variant Classification Scheme 2023. Collection method: clinical testing. Allele origin: germline.
Comment: The p.Q228R variant (also known as c.683A>G), located in coding exon 7 of the NEBL gene, results from an A to G substitution at nucleotide position 683. The glutamine at codon 228 is replaced by arginine, an amino acid with highly similar properties. This amino acid position is conserved. In addition, the in silico prediction for this alteration is inconclusive. Based on the available evidence, the clinical significance of this variant remains unclear.

NM_006393.3(NEBL):c.683A>G (p.Gln228Arg)

Gene: NEBL (nebulette; minus strand). Cytogenetic location: 10p12.31.
Variant type: single nucleotide variant.
Coding change: c.683A>G on transcript NM_006393.3 (MANE Select); coding-DNA position 683, A replaced by G.
Protein change: p.Gln228Arg; replaces glutamine 228 with arginine.
Molecular consequence: missense variant. On other transcripts: intron variant (9).
Genome position (GRCh38, 1-based): chr10:20,868,665, T>C on the plus strand (A>G on the coding strand, the complement: NEBL is on the minus strand). VCF-style: chr10-20868665-T-C. GRCh37 (hg19) VCF-style: chr10-21157594-T-C.
Other names: c.250-55725A>G (NM_001377326.1, NM_001377327.1, NM_001377328.1); c.358-55725A>G (NM_213569.2, NM_001173484.2, NM_001377322.1); c.301-55725A>G (NM_001377324.1); c.292-55725A>G (NM_001377325.1); c.310-55725A>G (NM_001377323.1); short protein forms Q228R.
Identifiers: ClinVar variation 3404008 (VCV003404008.1).